The following is an entry in ClinVar:

ClinVar aggregate classification (germline): Uncertain significance. Review status: criteria provided, multiple submitters, no conflicts (2 of 4 stars). 2 submissions from 2 submitters: Uncertain significance (2). Last evaluated 2024-07-25.

Conditions:
Inborn genetic diseases. Identifiers: MedGen C0950123, MeSH D030342.

Allele frequency attached by ClinVar (database versions not stated): gnomAD exomes 0.00001; gnomAD 0.00002; TOPMed 0.00002.
gnomAD v4.1: 18 of 1,612,678 alleles (0.0011%); highest among the groups gnomAD compares: Admixed American, 0.028%; no homozygotes.

Submissions (2):

GeneDx
Classification: Uncertain significance. Last evaluated: 2024-07-25. Review status: criteria provided, single submitter. Criteria: GeneDx Variant Classification Process June 2021. Collection method: clinical testing. Allele origin: germline. Affected: yes.
Comment: In silico analysis indicates that this missense variant does not alter protein structure/function; Has not been previously published as pathogenic or benign to our knowledge

Ambry Genetics
Classification: Uncertain significance for Inborn genetic diseases. Last evaluated: 2024-03-08. Review status: criteria provided, single submitter. Criteria: Ambry Variant Classification Scheme 2023. Collection method: clinical testing. Allele origin: germline.

NM_015465.5(GEMIN5):c.1181C>T (p.Ser394Phe)

Gene: GEMIN5 (gem nuclear organelle associated protein 5; minus strand). Cytogenetic location: 5q33.2.
Variant type: single nucleotide variant.
Coding change: c.1181C>T on transcript NM_015465.5 (MANE Select); coding-DNA position 1181, C replaced by T.
Protein change: p.Ser394Phe; replaces serine 394 with phenylalanine.
Molecular consequence: missense variant.
Genome position (GRCh38, 1-based): chr5:154,925,974, G>A on the plus strand (C>T on the coding strand, the complement: GEMIN5 is on the minus strand). VCF-style: chr5-154925974-G-A. GRCh37 (hg19) VCF-style: chr5-154305534-G-A.
Other names: c.1178C>T, p.Ser393Phe (NM_001252156.2); c.1181C>T (NM_015465.4); short protein forms S393F, S394F.
Identifiers: ClinVar variation 3099366 (VCV003099366.2), dbSNP rs1364229184, ClinGen allele CA361924434.